The following is an entry in ClinVar:

ClinVar aggregate classification (germline): Pathogenic (1 of 4 stars; one submission).

Submission:

Labcorp Genetics (formerly Invitae), Labcorp
Classification: Pathogenic. Last evaluated: 2021-04-05. Review status: criteria provided, single submitter. Criteria: Invitae Variant Classification Sherloc (09022015). Collection method: clinical testing. Allele origin: germline.
Comment: For these reasons, this variant has been classified as Pathogenic. This variant has not been reported in the literature in individuals with ABCB11-related conditions. This variant is not present in population databases (ExAC no frequency). This sequence change creates a premature translational stop signal (p.Cys475Valfs*5) in the ABCB11 gene. It is expected to result in an absent or disrupted protein product. Loss-of-function variants in ABCB11 are known to be pathogenic (PMID: 18395098, 20232290).

Literature cited by the submitters: PubMed 18395098; PubMed 20232290.

NM_003742.4(ABCB11):c.1422del (p.Cys475fs)

Gene: ABCB11 (ATP binding cassette subfamily B member 11; minus strand). Cytogenetic location: 2q31.1.
Variant type: Deletion.
Coding change: c.1422del on transcript NM_003742.4 (MANE Select); coding-DNA position 1422, one base deleted (C; older notation c.1422delC).
Protein change: p.Cys475fs; shifts the reading frame from cysteine 475.
Molecular consequence: frameshift variant.
Genome position (GRCh38, 1-based): chr2:168,973,727, G deleted on the plus strand (C on the coding strand, the reverse complement: ABCB11 is on the minus strand); the first of 4 consecutive G bases (chr2:168,973,727-168,973,730); deleting any one gives the same sequence. VCF-style (leftmost placement, unchanged base first): chr2-168973726-AG-A. GRCh37 (hg19) VCF-style: chr2-169830236-AG-A.
Other names: short protein forms C475fs.
Identifiers: ClinVar variation 1451709 (VCV001451709.6), dbSNP rs2105967878, ClinGen allele CA2573134041.
Genomic context (GRCh38, chr2:168,973,726, plus strand): 5'-TTGCACTTTACTGTCCCCATGTATTGAGGAGTTTCTGGAAGACACCCACCATTCCTTCAC[AG>A]GGGTCATAGAATCGCTGAATGAGTTGCAGTGCTGTACTTTTTCCAGCTCCACTGGGTCCT-3'